The following is an entry in ClinVar:

ClinVar aggregate classification (germline): Uncertain significance (1 of 4 stars; one submission).

Conditions:
Deficiency of alpha-mannosidase (MANSA). Also called: LYSOSOMAL ALPHA-D-MANNOSIDASE DEFICIENCY; Alpha-Mannosidosis; Mannosidosis, alpha-, types I and II. Identifiers: Orphanet 61, MedGen C0024748, MONDO:0009561, OMIM 248500.

Submission:

Labcorp Genetics (formerly Invitae), Labcorp
Classification: Uncertain significance for Deficiency of alpha-mannosidase. Last evaluated: 2025-06-08. Review status: criteria provided, single submitter. Criteria: Invitae Variant Classification Sherloc (09022015). Collection method: clinical testing. Allele origin: germline.
Comment: This sequence change replaces asparagine, which is neutral and polar, with threonine, which is neutral and polar, at codon 424 of the MAN2B1 protein (p.Asn424Thr). This variant is not present in population databases (gnomAD no frequency). This variant has not been reported in the literature in individuals affected with MAN2B1-related conditions. Invitae Evidence Modeling of protein sequence and biophysical properties (such as structural, functional, and spatial information, amino acid conservation, physicochemical variation, residue mobility, and thermodynamic stability) indicates that this missense variant is not expected to disrupt MAN2B1 protein function with a negative predictive value of 95%. In summary, the available evidence is currently insufficient to determine the role of this variant in disease. Therefore, it has been classified as a Variant of Uncertain Significance.

NM_000528.4(MAN2B1):c.1271A>C (p.Asn424Thr)

Gene: MAN2B1 (mannosidase alpha class 2B member 1; minus strand). Cytogenetic location: 19p13.13.
Variant type: single nucleotide variant.
Coding change: c.1271A>C on transcript NM_000528.4 (MANE Select); coding-DNA position 1271, A replaced by C.
Protein change: p.Asn424Thr; replaces asparagine 424 with threonine.
Molecular consequence: missense variant.
Genome position (GRCh38, 1-based): chr19:12,658,101, T>G on the plus strand (A>C on the coding strand, the complement: MAN2B1 is on the minus strand). VCF-style: chr19-12658101-T-G. GRCh37 (hg19) VCF-style: chr19-12768915-T-G.
Other names: c.1268A>C, p.Asn423Thr (NM_001173498.2); c.1274A>C, p.Asn425Thr (NM_001440570.1); short protein forms N423T, N424T, N425T.
Identifiers: ClinVar variation 4737129 (VCV004737129.1).